The following is an entry in ClinVar:

NM_001005242.3(PKP2):c.1120G>T (p.Ala374Ser)

Gene: PKP2 (plakophilin 2; minus strand). Cytogenetic location: 12p11.21.
Variant type: single nucleotide variant.
Coding change: c.1120G>T on transcript NM_001005242.3 (MANE Select); coding-DNA position 1120, G replaced by T.
Protein change: p.Ala374Ser; replaces alanine 374 with serine.
Molecular consequence: missense variant.
Genome position (GRCh38, 1-based): chr12:32,868,977, C>A on the plus strand (G>T on the coding strand, the complement: PKP2 is on the minus strand). VCF-style: chr12-32868977-C-A. GRCh37 (hg19) VCF-style: chr12-33021911-C-A.
Other names: c.1120G>T, p.Ala374Ser (NM_001407155.1, NM_001407156.1, NM_001407157.1 and 2 more transcripts); c.793G>T, p.Ala265Ser (NM_001407158.1, NM_001407159.1, NM_001407160.1 and 1 more transcripts); short protein forms A265S, A374S.
Identifiers: ClinVar variation 2195118 (VCV002195118.4), dbSNP rs1253811313, ClinGen allele CA384359328.
Genomic context (GRCh38, chr12:32,868,977, plus strand): 5'-TGACACTCACCCTCTTCCGAGCTTCAGATTTCTGGAAGCACTCGTGCTGTATGAAAGTAG[C>A]TGCAGCAGAAATCCTGGATGGCAGCATGTGGTCTGCCTCGAGCATACTCACTGCTCGCTC-3'
Protein context (NP_001005242.2, residues 364-384): HMLPSRISAA[Ala374Ser]TFIQHECFQK

ClinVar aggregate classification (germline): Uncertain significance. Review status: criteria provided, multiple submitters, no conflicts (2 of 4 stars). 3 submissions from 3 submitters: Uncertain significance (3). Last evaluated 2025-11-24.

Conditions:
Arrhythmogenic right ventricular dysplasia 9 (ARVD9). Also called: ARRHYTHMOGENIC RIGHT VENTRICULAR DYSPLASIA, FAMILIAL, 9; Arrhythmogenic Right Ventricular Dysplasia/Cardiomyopathy 9. Identifiers: MedGen C1836906, MONDO:0012180, OMIM 609040.
Cardiomyopathy (CMYO). Also called: Cardiomyopathies. Identifiers: Orphanet 167848, MedGen C0878544, MONDO:0004994, HP:0001638. Inheritance: Various modes of inheritance.
Arrhythmogenic right ventricular cardiomyopathy (ARVD). Also called: Arrhythmogenic right ventricular dysplasia; Cardiomyopathy, ARVC; Arrhythmogenic cardiomyopathy; Arrhythmogenic Right Ventricular Cardiomyopathy (ARVC). Identifiers: Orphanet 247, MedGen C0349788, MeSH D019571, MONDO:0016587. Disease mechanism: loss of function. Inheritance: Various modes of inheritance.

Allele frequency attached by ClinVar (database versions not stated): gnomAD 0.00001.
gnomAD v4.1: 2 of 1,613,834 alleles (0.00012%); highest among the groups gnomAD compares: Non-Finnish European, 0.00017%; no homozygotes.

Submissions (3):

Labcorp Genetics (formerly Invitae), Labcorp
Classification: Uncertain significance for Arrhythmogenic right ventricular dysplasia 9. Last evaluated: 2025-11-24. Review status: criteria provided, single submitter. Criteria: Invitae Variant Classification Sherloc (09022015). Collection method: clinical testing. Allele origin: germline.
Comment: This sequence change replaces alanine, which is neutral and non-polar, with serine, which is neutral and polar, at codon 374 of the PKP2 protein (p.Ala374Ser). This variant is present in population databases (no rsID available, gnomAD 0.002%). This variant has not been reported in the literature in individuals affected with PKP2-related conditions. ClinVar contains an entry for this variant (Variation ID: 2195118). An algorithm developed to predict the effect of missense changes on protein structure and function (PolyPhen-2) suggests that this variant is likely to be disruptive. In summary, the available evidence is currently insufficient to determine the role of this variant in disease. Therefore, it has been classified as a Variant of Uncertain Significance.

All of Us Research Program, National Institutes of Health
Classification: Uncertain significance for Arrhythmogenic right ventricular cardiomyopathy. Last evaluated: 2024-02-05. Review status: criteria provided, single submitter. Criteria: ACMG Guidelines, 2015. Collection method: clinical testing. Allele origin: germline. Inheritance: Autosomal dominant inheritance. Observed: 1 variant allele, 1 heterozygote.
Comment: This missense variant replaces alanine with serine at codon 374 of the PKP2 protein. Computational prediction suggests that this variant may not impact protein structure and function (internally defined REVEL score threshold <= 0.5, PMID: 27666373). To our knowledge, functional studies have not been reported for this variant. This variant has not been reported in individuals affected with PKP2-related disorders in the literature. This variant has been identified in 3/282752 chromosomes in the general population by the Genome Aggregation Database (gnomAD). The available evidence is insufficient to determine the role of this variant in disease conclusively. Therefore, this variant is classified as a Variant of Uncertain Significance.

This study involves interpretation of variants in research participants for the purpose of population health screening. Participant phenotype was not available at the time of variant classification. Additional details can be found in publication PMID: 35346344, PMCID: PMC8962531

Color Diagnostics, LLC DBA Color Health
Classification: Uncertain significance for Cardiomyopathy. Last evaluated: 2024-01-25. Review status: criteria provided, single submitter. Criteria: ACMG Guidelines, 2015. Collection method: clinical testing. Allele origin: germline.
Comment: This missense variant replaces alanine with serine at codon 374 of the PKP2 protein. Computational prediction suggests that this variant may not impact protein structure and function. To our knowledge, functional studies have not been reported for this variant. This variant has not been reported in individuals affected with PKP2-related disorders in the literature. This variant has been identified in 3/282752 chromosomes in the general population by the Genome Aggregation Database (gnomAD). The available evidence is insufficient to determine the role of this variant in disease conclusively. Therefore, this variant is classified as a Variant of Uncertain Significance.